The following is an entry in ClinVar:

ClinVar aggregate classification (germline): Uncertain significance (1 of 4 stars; one submission).

Allele frequency attached by ClinVar (database versions not stated): gnomAD exomes 0.00001 and 0.00003; ExAC 0.00002; gnomAD 0.00005 and 0.00006; TOPMed 0.00006.
gnomAD v4.1: 23 of 1,611,792 alleles (0.0014%); highest among the groups gnomAD compares: African/African-American, 0.011%; no homozygotes.

Submission:

Labcorp Genetics (formerly Invitae), Labcorp
Classification: Uncertain significance. Last evaluated: 2025-11-04. Review status: criteria provided, single submitter. Criteria: Invitae Variant Classification Sherloc (09022015). Collection method: clinical testing. Allele origin: germline.
Comment: This sequence change replaces aspartic acid, which is acidic and polar, with asparagine, which is neutral and polar, at codon 256 of the STAT4 protein (p.Asp256Asn). This variant is present in population databases (rs771061948, gnomAD 0.01%). This variant has not been reported in the literature in individuals affected with STAT4-related conditions. ClinVar contains an entry for this variant (Variation ID: 1381816). Invitae Evidence Modeling of protein sequence and biophysical properties (such as structural, functional, and spatial information, amino acid conservation, physicochemical variation, residue mobility, and thermodynamic stability) indicates that this missense variant is expected to disrupt STAT4 protein function with a positive predictive value of 80%. In summary, the available evidence is currently insufficient to determine the role of this variant in disease. Therefore, it has been classified as a Variant of Uncertain Significance.

NM_003151.4(STAT4):c.766G>A (p.Asp256Asn)

Gene: STAT4 (signal transducer and activator of transcription 4; minus strand). Cytogenetic location: 2q32.2.
Variant type: single nucleotide variant.
Coding change: c.766G>A on transcript NM_003151.4 (MANE Select); coding-DNA position 766, G replaced by A.
Protein change: p.Asp256Asn; replaces aspartic acid 256 with asparagine.
Molecular consequence: missense variant.
Genome position (GRCh38, 1-based): chr2:191,064,823, C>T on the plus strand (G>A on the coding strand, the complement: STAT4 is on the minus strand). VCF-style: chr2-191064823-C-T. GRCh37 (hg19) VCF-style: chr2-191929549-C-T.
Other names: c.766G>A, p.Asp256Asn (NM_001243835.2); short protein forms D256N.
Identifiers: ClinVar variation 1381816 (VCV001381816.6), dbSNP rs771061948, ClinGen allele CA2030796.
Genomic context (GRCh38, chr2:191,064,823, plus strand): 5'-GTTTCCTGTGGTTTTCACTAGAAACTGCAGTCGATTCGTTTTACCAGTTCTGAAGCTGGT[C>T]GAGCCCATTGTGGAGTGGACCCCCGATGCAGGCGATTTGCTGCCGCCGCTTCCAGTCTTG-3'
Protein context (NP_003142.1, residues 246-266): CIGGPLHNGL[Asp256Asn]QLQNCFTLLA